The following is an entry in ClinVar:

NM_001077418.3(TMEM231):c.335A>G (p.Asp112Gly)

Gene: TMEM231 (transmembrane protein 231; minus strand). Cytogenetic location: 16q23.1.
Variant type: single nucleotide variant.
Coding change: c.335A>G on transcript NM_001077418.3 (MANE Select); coding-DNA position 335, A replaced by G.
Protein change: p.Asp112Gly; replaces aspartic acid 112 with glycine.
Molecular consequence: missense variant. On other transcripts: non-coding transcript variant (1).
Genome position (GRCh38, 1-based): chr16:75,545,929, T>C on the plus strand (A>G on the coding strand, the complement: TMEM231 is on the minus strand). VCF-style: chr16-75545929-T-C. GRCh37 (hg19) VCF-style: chr16-75579827-T-C.
Other names: c.494A>G, p.Asp165Gly (NM_001077416.2); short protein forms D112G, D165G.
Identifiers: ClinVar variation 1491729 (VCV001491729.6), dbSNP rs1415195367, ClinGen allele CA396807133.

ClinVar aggregate classification (germline): Uncertain significance (1 of 4 stars; one submission).

Conditions:
Joubert syndrome 20 (JBTS20). Identifiers: Orphanet 475, MedGen C3554235, MONDO:0013994, OMIM 614970.
Meckel syndrome, type 11 (MKS11). Identifiers: Orphanet 564, MedGen C3809352, MONDO:0014164, OMIM 615397.

Submission:

Labcorp Genetics (formerly Invitae), Labcorp
Classification: Uncertain significance for Joubert syndrome 20; Meckel syndrome, type 11. Last evaluated: 2023-11-28. Review status: criteria provided, single submitter. Criteria: Invitae Variant Classification Sherloc (09022015). Collection method: clinical testing. Allele origin: germline.
Comment: This sequence change replaces aspartic acid, which is acidic and polar, with glycine, which is neutral and non-polar, at codon 165 of the TMEM231 protein (p.Asp165Gly). This variant is not present in population databases (gnomAD no frequency). This variant has not been reported in the literature in individuals affected with TMEM231-related conditions. ClinVar contains an entry for this variant (Variation ID: 1491729). Experimental studies and prediction algorithms are not available or were not evaluated, and the functional significance of this variant is currently unknown. Algorithms developed to predict the effect of sequence changes on RNA splicing suggest that this variant may disrupt the consensus splice site. In summary, the available evidence is currently insufficient to determine the role of this variant in disease. Therefore, it has been classified as a Variant of Uncertain Significance.